The following is an entry in ClinVar:

NM_153834.4(ADGRG4):c.7221G>A (p.Thr2407=)

Gene: ADGRG4 (adhesion G protein-coupled receptor G4; plus strand). Cytogenetic location: Xq26.3.
Variant type: single nucleotide variant.
Coding change: c.7221G>A on transcript NM_153834.4 (MANE Select); coding-DNA position 7221, G replaced by A.
Protein change: p.Thr2407=; no amino-acid change (threonine 2407 retained).
Molecular consequence: synonymous variant.
Genome position (GRCh38, 1-based): chrX:136,361,531, G>A. VCF-style: chrX-136361531-G-A. GRCh37 (hg19) VCF-style: chrX-135443690-G-A.
Identifiers: ClinVar variation 3031587 (VCV003031587.2), dbSNP rs750830780, ClinGen allele CA10526904.

ClinVar aggregate classification (germline): Likely benign (0 of 4 stars; one submission).

Conditions:
ADGRG4-related disorder. Also called: ADGRG4-related condition.

Allele frequency attached by ClinVar (database versions not stated): gnomAD exomes 0.00001; ExAC 0.00002; TOPMed 0.00002.
gnomAD v4.1: 7 of 1,188,563 alleles (0.00059%); highest among the groups gnomAD compares: Admixed American, 0.0044%; no homozygotes.

Submission:

PreventionGenetics, part of Exact Sciences
Classification: Likely benign for ADGRG4-related condition. Last evaluated: 2023-12-11. Review status: no assertion criteria provided. Collection method: clinical testing. Allele origin: germline.
Comment: This variant is classified as likely benign based on ACMG/AMP sequence variant interpretation guidelines (Richards et al. 2015 PMID: 25741868, with internal and published modifications).